The following is an entry in ClinVar:

NM_145178.4(ATOH7):c.130G>C (p.Ala44Pro)

Gene: ATOH7 (atonal bHLH transcription factor 7; minus strand). Cytogenetic location: 10q21.3.
Variant type: single nucleotide variant.
Coding change: c.130G>C on transcript NM_145178.4 (MANE Select); coding-DNA position 130, G replaced by C.
Protein change: p.Ala44Pro; replaces alanine 44 with proline.
Molecular consequence: missense variant.
Genome position (GRCh38, 1-based): chr10:68,231,548, C>G on the plus strand (G>C on the coding strand, the complement: ATOH7 is on the minus strand). VCF-style: chr10-68231548-C-G. GRCh37 (hg19) VCF-style: chr10-69991305-C-G.
Other names: short protein forms A44P.
Identifiers: ClinVar variation 1487805 (VCV001487805.8), dbSNP rs2134380709, ClinGen allele CA376837287.
Genomic context (GRCh38, chr10:68,231,548, plus strand): 5'-GTAAGCGGTCGAAGGCAGTGTTGAGCCCCTGCATGCGGCGGCGCTCGCGCGCGTTGGCCG[C>G]CAGGCGCCTGCGCGCCGCGCTCTCCAGCCGCCCGGCCCCGGCGCACGTGCCCGCGCACTC-3'
Protein context (NP_660161.1, residues 34-54): RLESAARRRL[Ala44Pro]ANARERRRMQ

ClinVar aggregate classification (germline): Uncertain significance (1 of 4 stars; one submission).

Submission:

Labcorp Genetics (formerly Invitae), Labcorp
Classification: Uncertain significance. Last evaluated: 2022-07-25. Review status: criteria provided, single submitter. Criteria: Invitae Variant Classification Sherloc (09022015). Collection method: clinical testing. Allele origin: germline.
Comment: Algorithms developed to predict the effect of missense changes on protein structure and function (SIFT, PolyPhen-2, Align-GVGD) all suggest that this variant is likely to be disruptive. ClinVar contains an entry for this variant (Variation ID: 1487805). This variant has not been reported in the literature in individuals affected with ATOH7-related conditions. This variant is not present in population databases (gnomAD no frequency). This sequence change replaces alanine, which is neutral and non-polar, with proline, which is neutral and non-polar, at codon 44 of the ATOH7 protein (p.Ala44Pro). In summary, the available evidence is currently insufficient to determine the role of this variant in disease. Therefore, it has been classified as a Variant of Uncertain Significance.